The following is an entry in ClinVar:

NM_005633.4(SOS1):c.754A>G (p.Ile252Val)

Gene: SOS1 (SOS Ras/Rac guanine nucleotide exchange factor 1; minus strand). Cytogenetic location: 2p22.1.
Variant type: single nucleotide variant.
Coding change: c.754A>G on transcript NM_005633.4 (MANE Select); coding-DNA position 754, A replaced by G.
Protein change: p.Ile252Val; replaces isoleucine 252 with valine.
Molecular consequence: missense variant.
Genome position (GRCh38, 1-based): chr2:39,051,254, T>C on the plus strand (A>G on the coding strand, the complement: SOS1 is on the minus strand). VCF-style: chr2-39051254-T-C. GRCh37 (hg19) VCF-style: chr2-39278395-T-C.
Other names: c.733A>G, p.Ile245Val (NM_001382394.1); c.754A>G, p.Ile252Val (NM_001382395.1); short protein forms I245V, I252V.
Identifiers: ClinVar variation 1305201 (VCV001305201.5), dbSNP rs1158811958, ClinGen allele CA346367787.
Genomic context (GRCh38, chr2:39,051,254, plus strand): 5'-CATCTGTCATTTCTACTGTATCTTCTATATGGCCCAGTAACTTTACACTAAGTTCATGTA[T>C]ATCTACTATGCGACTAAATATATTTTCTACATCCTGTTTGGGGGAAAACACATTAATTCA-3'
Protein context (NP_005624.2, residues 242-262): VENIFSRIVD[Ile252Val]HELSVKLLGH

ClinVar aggregate classification (germline): Uncertain significance. Review status: criteria provided, multiple submitters, no conflicts (2 of 4 stars). 4 submissions from 3 submitters: Uncertain significance (4). Last evaluated 2022-04-06.

Conditions:
Cardiovascular phenotype. Identifiers: MedGen CN230736.
Noonan syndrome 4 (NS4). Also called: SOS1-Related Noonan Syndrome; NOONAN SYNDROME WITH PIGMENTED VILLONODULAR SYNOVITIS. Identifiers: Orphanet 648, MedGen C1853120, MONDO:0012547, OMIM 610733.
Fibromatosis, gingival, 1 (GINGF1). Identifiers: Orphanet 2024, MedGen C4551558, MONDO:0007609, OMIM 135300.

gnomAD v4.1: 1 of 1,611,762 alleles (0.000062%); highest among the groups gnomAD compares: Non-Finnish European, 0.000085%; no homozygotes.

Submissions (4):

Ambry Genetics
Classification: Uncertain significance for Cardiovascular phenotype. Last evaluated: 2022-04-06. Review status: criteria provided, single submitter. Criteria: Ambry Variant Classification Scheme 2023. Collection method: clinical testing. Allele origin: germline.
Comment: The p.I252V variant (also known as c.754A>G), located in coding exon 6 of the SOS1 gene, results from an A to G substitution at nucleotide position 754. The isoleucine at codon 252 is replaced by valine, an amino acid with highly similar properties. This amino acid position is conserved. In addition, this alteration is predicted to be tolerated by in silico analysis. Since supporting evidence is limited at this time, the clinical significance of this alteration remains unclear.

GeneDx
Classification: Uncertain significance. Last evaluated: 2019-04-15. Review status: criteria provided, single submitter. Criteria: GeneDx Variant Classification Process June 2021. Collection method: clinical testing. Allele origin: germline. Affected: yes.
Comment: Not observed in large population cohorts (Lek et al., 2016); The majority of missense variants in this gene are considered pathogenic (Stenson et al., 2014); In silico analysis, which includes protein predictors and evolutionary conservation, supports that this variant does not alter protein structure/function; Has not been previously published as pathogenic or benign to our knowledge

Genome-Nilou Lab
Classification: Uncertain significance for Noonan syndrome 4. Review status: criteria provided, single submitter. Criteria: ACMG Guidelines, 2015. Collection method: clinical testing. Allele origin: germline.

Genome-Nilou Lab
Classification: Uncertain significance for Fibromatosis, gingival, 1. Review status: criteria provided, single submitter. Criteria: ACMG Guidelines, 2015. Collection method: clinical testing. Allele origin: germline.